The following is an entry in ClinVar:

NM_002936.6(RNASEH1):c.330C>T (p.Ser110=)

Gene: RNASEH1 (ribonuclease H1; minus strand). Cytogenetic location: 2p25.3.
Variant type: single nucleotide variant.
Coding change: c.330C>T on transcript NM_002936.6 (MANE Select); coding-DNA position 330, C replaced by T.
Protein change: p.Ser110=; no amino-acid change (serine 110 retained).
Molecular consequence: synonymous variant. On other transcripts: 5 prime UTR variant (1), non-coding transcript variant (7).
Genome position (GRCh38, 1-based): chr2:3,552,223, G>A on the plus strand (C>T on the coding strand, the complement: RNASEH1 is on the minus strand). VCF-style: chr2-3552223-G-A. GRCh37 (hg19) VCF-style: chr2-3599813-G-A.
Other names: p.Ser110=; c.330C>T (NM_002936.4, NM_002936.5); c.252C>T, p.Ser84= (NM_001286834.3); c.-22C>T (NM_001286837.3); c.330C>T, p.Ser110= (NM_001378271.1, NM_001378272.1, NM_001378273.1).
Identifiers: ClinVar variation 2165276 (VCV002165276.7), dbSNP rs70937039, ClinGen allele CA1516322.
Genomic context (GRCh38, chr2:3,552,223, plus strand): 5'-TCTGCTAACTGGAGGCGCCGGCTCCACGCTCGGCTTCATGTGCTTTGCATACGGCTCTGC[G>A]CTTTCATGTCCATCTCCATCCAGTGGCTCACGGAGTCGCTTGCTGGCTTTCGCCTCCGAT-3'
Protein context (NP_002927.2, residues 100-120): REPLDGDGHE[Ser110=]AEPYAKHMKP

ClinVar aggregate classification (germline): Benign/Likely benign. Review status: criteria provided, multiple submitters, no conflicts (2 of 4 stars). 3 submissions from 3 submitters: Benign (1); Likely benign (1). 1 of the submissions does not count toward it. Last evaluated 2026-01-26.

Conditions:
RNASEH1-related disorder. Also called: RNASEH1-related condition.

Allele frequency attached by ClinVar (database versions not stated): gnomAD exomes 0.00033; gnomAD 0.00035; ESP Exome Variant Server 0.00038; TOPMed 0.00041; 1000 Genomes Project 30x 0.00047; ExAC 0.00052; 1000 Genomes Project 0.00060.

Submissions (3):

Labcorp Genetics (formerly Invitae), Labcorp
Classification: Benign. Last evaluated: 2026-01-26. Review status: criteria provided, single submitter. Criteria: Invitae Variant Classification Sherloc (09022015). Collection method: clinical testing. Allele origin: germline.

Mayo Clinic Laboratories, Mayo Clinic
Classification: Likely benign. Last evaluated: 2025-06-09. Review status: criteria provided, single submitter. Criteria: ACMG Guidelines, 2015. Collection method: clinical testing. Allele origin: germline. Observed: 1 variant allele.
Comment: BS2, BP4, BP7

PreventionGenetics, part of Exact Sciences
Classification: Likely benign for RNASEH1-related condition. Last evaluated: 2019-06-13. Review status: no assertion criteria provided. Collection method: clinical testing. Allele origin: germline. Not counted in ClinVar's aggregate classification.
Comment: This variant is classified as likely benign based on ACMG/AMP sequence variant interpretation guidelines (Richards et al. 2015 PMID: 25741868, with internal and published modifications).